The following is an entry in ClinVar:

NM_000074.3(CD40LG):c.632C>A (p.Thr211Asn)

Gene: CD40LG (CD40 ligand; plus strand). Cytogenetic location: Xq26.3.
Variant type: single nucleotide variant.
Coding change: c.632C>A on transcript NM_000074.3 (MANE Select); coding-DNA position 632, C replaced by A.
Protein change: p.Thr211Asn; replaces threonine 211 with asparagine.
Molecular consequence: missense variant.
Genome position (GRCh38, 1-based): chrX:136,659,261, C>A. VCF-style: chrX-136659261-C-A. GRCh37 (hg19) VCF-style: chrX-135741420-C-A.
Other names: short protein forms T211N.
Identifiers: ClinVar variation 633145 (VCV000633145.3), dbSNP rs1569377829, ClinGen allele CA414756231.
Genomic context (GRCh38, chrX:136,659,261, plus strand): 5'-CCAGCCTCTGCCTAAAGTCCCCCGGTAGATTCGAGAGAATCTTACTCAGAGCTGCAAATA[C>A]CCACAGTTCCGCCAAACCTTGCGGGCAACAATCCATTCACTTGGGAGGAGTATTTGAATT-3'
Protein context (NP_000065.1, residues 201-221): FERILLRAAN[Thr211Asn]HSSAKPCGQQ

ClinVar aggregate classification (germline): Conflicting classifications of pathogenicity. Review status: criteria provided, conflicting classifications (1 of 4 stars). 2 submissions from 2 submitters: Likely pathogenic (1); Uncertain significance (1). Last evaluated 2024-12-08.

Conditions:
Hyper-IgM syndrome type 1. Also called: Hyper-IgM Immunodeficiency Syndrome, Type 1; CD40 Ligand Deficiency; X-linked hyper-IgM syndrome; Immunodeficiency, X-linked, with hyper-IgM. Identifiers: Orphanet 101088, MedGen C0398689, MONDO:0010626, OMIM 308230.

Allele frequency attached by ClinVar (database versions not stated): gnomAD exomes below 0.00001.
gnomAD v4.1: 3 of 1,211,609 alleles (0.00025%); highest among the groups gnomAD compares: Non-Finnish European, 0.00034%; no homozygotes.

Submissions (2):

Labcorp Genetics (formerly Invitae), Labcorp
Classification: Uncertain significance for Hyper-IgM syndrome type 1. Last evaluated: 2024-12-08. Review status: criteria provided, single submitter. Criteria: Invitae Variant Classification Sherloc (09022015). Collection method: clinical testing. Allele origin: germline.
Comment: This sequence change replaces threonine, which is neutral and polar, with asparagine, which is neutral and polar, at codon 211 of the CD40LG protein (p.Thr211Asn). This variant is not present in population databases (gnomAD no frequency). This variant has not been reported in the literature in individuals affected with CD40LG-related conditions. ClinVar contains an entry for this variant (Variation ID: 633145). Invitae Evidence Modeling of protein sequence and biophysical properties (such as structural, functional, and spatial information, amino acid conservation, physicochemical variation, residue mobility, and thermodynamic stability) indicates that this missense variant is not expected to disrupt CD40LG protein function with a negative predictive value of 80%. Experimental studies are conflicting or provide insufficient evidence to determine the effect of this variant on CD40LG function (PMID: 15924140). In summary, the available evidence is currently insufficient to determine the role of this variant in disease. Therefore, it has been classified as a Variant of Uncertain Significance.

Women's Health and Genetics/Laboratory Corporation of America, LabCorp
Classification: Likely pathogenic for Immunodeficiency with hyper IgM type 1. Last evaluated: 2018-02-20. Review status: criteria provided, single submitter. Criteria: LabCorp Variant Classification Summary - May 2015. Collection method: clinical testing. Allele origin: germline.
Comment: Variant summary: CD40LG c.632C>A (p.Thr211Asn) results in a non-conservative amino acid change located in the Tumor necrosis factor domain (IPR006052) of the encoded protein sequence. Four of five in-silico tools predict a damaging effect of the variant on protein function. The variant was absent in 87498 control chromosomes in ExAC, however these data do not allow any conclusion about variant significance. c.632C>A has been reported in the literature in one individual affected with Hyper IgM Syndrome Type 1 (Allen 1993). At least one publication reports experimental evidence evaluating an impact on protein function (Allen 1993). The most pronounced variant effect results in <10% of normal activity. No clinical diagnostic laboratories have submitted clinical-significance assessments for this variant to ClinVar after 2014. Based on the evidence outlined above, the variant was classified as likely pathogenic.

Literature cited by the submitters: PubMed 15924140 (cited by Labcorp Genetics (formerly Invitae), Labcorp and Women's Health and Genetics/Laboratory Corporation of America, LabCorp).